The following is an entry in ClinVar:

NM_012414.4(RAB3GAP2):c.265A>G (p.Met89Val)

Gene: RAB3GAP2 (RAB3 GTPase activating non-catalytic protein subunit 2; minus strand). Cytogenetic location: 1q41.
Variant type: single nucleotide variant.
Coding change: c.265A>G on transcript NM_012414.4 (MANE Select); coding-DNA position 265, A replaced by G.
Protein change: p.Met89Val; replaces methionine 89 with valine.
Molecular consequence: missense variant.
Genome position (GRCh38, 1-based): chr1:220,213,895, T>C on the plus strand (A>G on the coding strand, the complement: RAB3GAP2 is on the minus strand). VCF-style: chr1-220213895-T-C. GRCh37 (hg19) VCF-style: chr1-220387237-T-C.
Other names: short protein forms M89V.
Identifiers: ClinVar variation 2133965 (VCV002133965.4), dbSNP rs1659133663, ClinGen allele CA344731012.

ClinVar aggregate classification (germline): Uncertain significance (1 of 4 stars; one submission).

Conditions:
Warburg micro syndrome 2 (WARBM2). Also called: MICRO SYNDROME 2. Identifiers: Orphanet 2510, MedGen C3280214, MONDO:0013641, OMIM 614225.
Martsolf syndrome (MARTS). Also called: Congenital cataract with intellectual disability and hypogonadotropic hypogonadism syndrome. Identifiers: Orphanet 1387, MedGen C0796037, MONDO:0023910.

Allele frequency attached by ClinVar (database versions not stated): gnomAD exomes below 0.00001.
gnomAD v4.1: 1 of 1,613,376 alleles (0.000062%); highest among the groups gnomAD compares: East Asian, 0.0022%; no homozygotes.

Submission:

Labcorp Genetics (formerly Invitae), Labcorp
Classification: Uncertain significance for Martsolf syndrome; Warburg micro syndrome 2. Last evaluated: 2022-05-05. Review status: criteria provided, single submitter. Criteria: Invitae Variant Classification Sherloc (09022015). Collection method: clinical testing. Allele origin: germline.
Comment: Algorithms developed to predict the effect of missense changes on protein structure and function (SIFT, PolyPhen-2, Align-GVGD) all suggest that this variant is likely to be tolerated. In summary, the available evidence is currently insufficient to determine the role of this variant in disease. Therefore, it has been classified as a Variant of Uncertain Significance. This variant has not been reported in the literature in individuals affected with RAB3GAP2-related conditions. This variant is not present in population databases (gnomAD no frequency). This sequence change replaces methionine, which is neutral and non-polar, with valine, which is neutral and non-polar, at codon 89 of the RAB3GAP2 protein (p.Met89Val).